The following is an entry in ClinVar:

NM_001267550.2(TTN):c.55885G>T (p.Glu18629Ter)

Genes: TTN (titin; minus strand), TTN-AS1 (TTN antisense RNA 1; plus strand). Cytogenetic location: 2q31.2.
Variant type: single nucleotide variant.
Coding change: c.55885G>T on transcript NM_001267550.2 (MANE Select); coding-DNA position 55885, G replaced by T.
Protein change: p.Glu18629Ter; replaces glutamic acid 18629 with a stop codon.
Molecular consequence: nonsense.
Genome position (GRCh38, 1-based): chr2:178,601,019, C>A on the plus strand (G>T on the coding strand, the complement: TTN is on the minus strand). VCF-style: chr2-178601019-C-A. GRCh37 (hg19) VCF-style: chr2-179465746-C-A.
Other names: c.50962G>T, p.Glu16988Ter (NM_001256850.1); c.28690G>T, p.Glu9564Ter (NM_003319.4); c.48181G>T, p.Glu16061Ter (NM_133378.4); c.29065G>T, p.Glu9689Ter (NM_133432.3); c.29266G>T, p.Glu9756Ter (NM_133437.4); short protein forms E9564*, E16061*, E18629*, E9756*, E16988*, E9689*.
Identifiers: ClinVar variation 2007935 (VCV002007935.4), dbSNP rs2053286212, ClinGen allele CA349536912.

ClinVar aggregate classification (germline): Likely pathogenic (1 of 4 stars; one submission).

Conditions:
Dilated cardiomyopathy 1G (CMD1G). Identifiers: Orphanet 154, MedGen C1858763, MONDO:0011400, OMIM 604145.
Autosomal recessive limb-girdle muscular dystrophy type 2J (LGMDR10). Also called: Limb-girdle muscular dystrophy, type 2J; MUSCULAR DYSTROPHY, LIMB-GIRDLE, AUTOSOMAL RECESSIVE 10. Identifiers: Orphanet 140922, MedGen C1837342, MONDO:0012127, OMIM 608807.

Submission:

Labcorp Genetics (formerly Invitae), Labcorp
Classification: Likely pathogenic for Dilated cardiomyopathy 1G; Autosomal recessive limb-girdle muscular dystrophy type 2J. Last evaluated: 2023-05-22. Review status: criteria provided, single submitter. Criteria: Invitae Variant Classification Sherloc (09022015). Collection method: clinical testing. Allele origin: germline.
Comment: In summary, the currently available evidence indicates that the variant is pathogenic, but additional data are needed to prove that conclusively. Therefore, this variant has been classified as Likely Pathogenic. This variant is located in the A band of TTN (PMID: 25589632). Truncating variants in this region are significantly overrepresented in patients affected with dilated cardiomyopathy (PMID: 25589632). Truncating variants in this region have also been reported in individuals affected with autosomal recessive centronuclear myopathy (PMID: 23975875). ClinVar contains an entry for this variant (Variation ID: 2007935). This variant has not been reported in the literature in individuals affected with TTN-related conditions. This variant is not present in population databases (gnomAD no frequency). This sequence change creates a premature translational stop signal (p.Glu18629*) in the TTN gene. While this is not anticipated to result in nonsense mediated decay, it is expected to create a truncated TTN protein.

Literature cited by the submitters: PubMed 25589632; PubMed 23975875.